The following is an entry in ClinVar:

ClinVar aggregate classification (germline): Likely benign (1 of 4 stars; one submission).

Conditions:
Obesity due to SIM1 deficiency. Identifiers: Orphanet 369873, MedGen C5191050, MONDO:0018244.

Allele frequency attached by ClinVar (database versions not stated): gnomAD exomes 0.00049; TOPMed 0.00339; 1000 Genomes Project 0.00359; 1000 Genomes Project 30x 0.00375.
gnomAD v4.1: 480 of 174,224 alleles (0.28%); highest among the groups gnomAD compares: African/African-American, 1.1%; 3 homozygotes.

Submission:

Illumina Laboratory Services, Illumina
Classification: Likely benign for Obesity due to SIM1 deficiency. Last evaluated: 2018-01-13. Review status: criteria provided, single submitter. Criteria: ICSL Variant Classification Criteria 13 December 2019. Collection method: clinical testing. Allele origin: germline.
Comment: This variant was observed in the ICSL laboratory as part of a predisposition screen in an ostensibly healthy population. It had not been previously curated by ICSL or reported in the Human Gene Mutation Database (HGMD: prior to June 1st, 2018), and was therefore a candidate for classification through an automated scoring system. Utilizing variant allele frequency, disease prevalence and penetrance estimates, and inheritance mode, an automated score was calculated to assess if this variant is too frequent to cause the disease. Based on the score and internal cut-off values, a variant classified as likely benign is not then subjected to further curation. The score for this variant resulted in a classification of likely benign for this disease.

NM_005068.3(SIM1):c.*1132A>C

Gene: SIM1 (SIM bHLH transcription factor 1; minus strand). Cytogenetic location: 6q16.3.
Variant type: single nucleotide variant.
Coding change: c.*1132A>C on transcript NM_005068.3 (MANE Select); 1132 bases downstream of the stop codon, A replaced by C.
Molecular consequence: 3 prime UTR variant.
Genome position (GRCh38, 1-based): chr6:100,389,229, T>G on the plus strand (A>C on the coding strand, the complement: SIM1 is on the minus strand). VCF-style: chr6-100389229-T-G. GRCh37 (hg19) VCF-style: chr6-100837105-T-G.
Other names: c.*1132A>C (NM_001374769.1).
Identifiers: ClinVar variation 904643 (VCV000904643.4), dbSNP rs74728933, ClinGen allele CA144530066.